The following is an entry in ClinVar:

NM_024334.3(TMEM43):c.11A>T (p.Asn4Ile)

Gene: TMEM43 (transmembrane protein 43; plus strand). Cytogenetic location: 3p25.1.
Variant type: single nucleotide variant.
Coding change: c.11A>T on transcript NM_024334.3 (MANE Select); coding-DNA position 11, A replaced by T.
Protein change: p.Asn4Ile; replaces asparagine 4 with isoleucine.
Molecular consequence: missense variant.
Genome position (GRCh38, 1-based): chr3:14,125,204, A>T. VCF-style: chr3-14125204-A-T. GRCh37 (hg19) VCF-style: chr3-14166704-A-T.
Other names: c.11A>T, p.Asn4Ile (NM_001407279.1, NM_001407280.1, NM_001407274.1 and 4 more transcripts); short protein forms N4I.
Identifiers: ClinVar variation 2804287 (VCV002804287.3), dbSNP rs2470170053, ClinGen allele CA351533976.

ClinVar aggregate classification (germline): Uncertain significance (1 of 4 stars; one submission).

Conditions:
Arrhythmogenic right ventricular dysplasia 5. Also called: Arrhythmogenic Right Ventricular Dysplasia/Cardiomyopathy 5; ARRHYTHMOGENIC RIGHT VENTRICULAR DYSPLASIA, FAMILIAL, 5. Identifiers: MedGen C1858379, MONDO:0011459, OMIM 604400.

Allele frequency attached by ClinVar (database versions not stated): gnomAD exomes below 0.00001.
gnomAD v4.1: 1 of 1,610,030 alleles (0.000062%); highest among the groups gnomAD compares: Non-Finnish European, 0.000085%; no homozygotes.

Submission:

Labcorp Genetics (formerly Invitae), Labcorp
Classification: Uncertain significance for Arrhythmogenic right ventricular dysplasia 5. Last evaluated: 2023-06-02. Review status: criteria provided, single submitter. Criteria: Invitae Variant Classification Sherloc (09022015). Collection method: clinical testing. Allele origin: germline.
Comment: This sequence change replaces asparagine, which is neutral and polar, with isoleucine, which is neutral and non-polar, at codon 4 of the TMEM43 protein (p.Asn4Ile). In summary, the available evidence is currently insufficient to determine the role of this variant in disease. Therefore, it has been classified as a Variant of Uncertain Significance. An algorithm developed to predict the effect of missense changes on protein structure and function (PolyPhen-2) suggests that this variant is likely to be tolerated. This variant has not been reported in the literature in individuals affected with TMEM43-related conditions. This variant is not present in population databases (gnomAD no frequency).